The following is an entry in ClinVar:

NM_025114.4(CEP290):c.4485A>G (p.Ile1495Met)

Gene: CEP290 (centrosomal protein 290; minus strand). Cytogenetic location: 12q21.32.
Variant type: single nucleotide variant.
Coding change: c.4485A>G on transcript NM_025114.4 (MANE Select); coding-DNA position 4485, A replaced by G.
Protein change: p.Ile1495Met; replaces isoleucine 1495 with methionine.
Molecular consequence: missense variant.
Genome position (GRCh38, 1-based): chr12:88,084,805, T>C on the plus strand (A>G on the coding strand, the complement: CEP290 is on the minus strand). VCF-style: chr12-88084805-T-C. GRCh37 (hg19) VCF-style: chr12-88478582-T-C.
Other names: short protein forms I1495M.
Identifiers: ClinVar variation 855993 (VCV000855993.8), dbSNP rs1328019408, ClinGen allele CA385995571.

ClinVar aggregate classification (germline): Uncertain significance. Review status: criteria provided, multiple submitters, no conflicts (2 of 4 stars). 2 submissions from 2 submitters: Uncertain significance (2). Last evaluated 2022-10-25.

Conditions:
Meckel-Gruber syndrome. Also called: DYSENCEPHALIA SPLANCHNOCYSTICA; GRUBER SYNDROME; Dysencephalia splachnocystica. Identifiers: Orphanet 564, MedGen C0265215, MONDO:0018921.
Nephronophthisis. Also called: Juvenile Nephronophthisis. Identifiers: Orphanet 655, MedGen C0687120, MONDO:0019005, HP:0000090.
Joubert syndrome. Also called: CEREBELLOPARENCHYMAL DISORDER IV; JOUBERT-BOLTSHAUSER SYNDROME; Familial aplasia of the vermis. Identifiers: Orphanet 475, MedGen C5979921, MONDO:0018772.
Bardet-Biedl syndrome 14 (BBS14). Identifiers: Orphanet 110, MedGen C2673874, MONDO:0014442, OMIM 615991.

Allele frequency attached by ClinVar (database versions not stated): gnomAD exomes below 0.00001; TOPMed below 0.00001; gnomAD 0.00001.
gnomAD v4.1: 2 of 1,609,280 alleles (0.00012%); highest among the groups gnomAD compares: Non-Finnish European, 0.00017%; no homozygotes.

Submissions (2):

Labcorp Genetics (formerly Invitae), Labcorp
Classification: Uncertain significance for Joubert syndrome; Meckel-Gruber syndrome; Nephronophthisis. Last evaluated: 2022-10-25. Review status: criteria provided, single submitter. Criteria: Invitae Variant Classification Sherloc (09022015). Collection method: clinical testing. Allele origin: germline.
Comment: This sequence change replaces isoleucine, which is neutral and non-polar, with methionine, which is neutral and non-polar, at codon 1495 of the CEP290 protein (p.Ile1495Met). This variant is not present in population databases (gnomAD no frequency). This variant has not been reported in the literature in individuals affected with CEP290-related conditions. ClinVar contains an entry for this variant (Variation ID: 855993). Advanced modeling of protein sequence and biophysical properties (such as structural, functional, and spatial information, amino acid conservation, physicochemical variation, residue mobility, and thermodynamic stability) has been performed at Invitae for this missense variant, however the output from this modeling did not meet the statistical confidence thresholds required to predict the impact of this variant on CEP290 protein function. In summary, the available evidence is currently insufficient to determine the role of this variant in disease. Therefore, it has been classified as a Variant of Uncertain Significance.

Baylor Genetics
Classification: Uncertain significance for Bardet-Biedl syndrome 14. Last evaluated: 2019-09-25. Review status: criteria provided, single submitter. Criteria: ACMG Guidelines, 2015. Collection method: clinical testing. Allele origin: paternal. Affected: yes.
Comment: This variant was determined to be of uncertain significance according to ACMG Guidelines, 2015 [PMID:25741868].